The following is an entry in ClinVar:

ClinVar aggregate classification (germline): Likely benign. Review status: criteria provided, multiple submitters, no conflicts (2 of 4 stars). 7 submissions from 7 submitters: Likely benign (6). 1 of the submissions does not count toward it. Last evaluated 2026-01-18.

Conditions:
COL12A1-related disorder. Also called: COL12A1-related condition.
Bethlem myopathy 2 (BTHLM2). Identifiers: Orphanet 536516, Orphanet 610, MedGen C4225313, MONDO:0034022, OMIM 616471.
Ullrich congenital muscular dystrophy 2 (UCMD2). Identifiers: Orphanet 75840, MedGen C4225314, MONDO:0014654, OMIM 616470.

Allele frequency attached by ClinVar (database versions not stated): gnomAD exomes 0.00031 and 0.00034; TOPMed 0.00031; gnomAD 0.00032 and 0.00034; ExAC 0.00033; ESP Exome Variant Server 0.00059.
gnomAD v4.1: 550 of 1,612,514 alleles (0.034%); highest among the groups gnomAD compares: Non-Finnish European, 0.044%; no homozygotes.

Submissions (7):

Labcorp Genetics (formerly Invitae), Labcorp
Classification: Likely benign for Bethlem myopathy 2; Ullrich congenital muscular dystrophy 2. Last evaluated: 2026-01-18. Review status: criteria provided, single submitter. Criteria: Invitae Variant Classification Sherloc (09022015). Collection method: clinical testing. Allele origin: germline.

Mayo Clinic Laboratories, Mayo Clinic
Classification: Likely benign. Last evaluated: 2025-02-04. Review status: criteria provided, single submitter. Criteria: ACMG Guidelines, 2015. Collection method: clinical testing. Allele origin: germline. Observed: 2 variant alleles.
Comment: BS1, BP4, BP7

Women's Health and Genetics/Laboratory Corporation of America, LabCorp
Classification: Likely benign. Last evaluated: 2025-02-04. Review status: criteria provided, single submitter. Criteria: LabCorp Variant Classification Summary - May 2015. Collection method: clinical testing. Allele origin: germline.

CeGaT Center for Human Genetics Tuebingen
Classification: Likely benign. Last evaluated: 2024-10-01. Review status: criteria provided, single submitter. Criteria: CeGaT Center For Human Genetics Tuebingen Variant Classification Criteria Version 2. Collection method: clinical testing. Allele origin: germline. Affected: yes. Observed: 1 variant allele.
Comment: COL12A1: BP4, BP7

Blueprint Genetics
Classification: Likely benign. Last evaluated: 2024-09-19. Review status: criteria provided, single submitter. Criteria: ACMG Guidelines, 2015. Collection method: clinical testing. Allele origin: germline.

GeneDx
Classification: Likely benign. Last evaluated: 2020-06-10. Review status: criteria provided, single submitter. Criteria: GeneDx Variant Classification Process June 2021. Collection method: clinical testing. Allele origin: germline. Affected: yes.

PreventionGenetics, part of Exact Sciences
Classification: Likely benign for COL12A1-related condition. Last evaluated: 2019-04-30. Review status: no assertion criteria provided. Collection method: clinical testing. Allele origin: germline. Not counted in ClinVar's aggregate classification.
Comment: This variant is classified as likely benign based on ACMG/AMP sequence variant interpretation guidelines (Richards et al. 2015 PMID: 25741868, with internal and published modifications).

NM_004370.6(COL12A1):c.132A>G (p.Ser44=)

Gene: COL12A1 (collagen type XII alpha 1 chain; minus strand). Cytogenetic location: 6q13.
Variant type: single nucleotide variant.
Coding change: c.132A>G on transcript NM_004370.6 (MANE Select); coding-DNA position 132, A replaced by G.
Protein change: p.Ser44=; no amino-acid change (serine 44 retained).
Molecular consequence: synonymous variant. On other transcripts: intron variant (1).
Genome position (GRCh38, 1-based): chr6:75,194,889, T>C on the plus strand (A>G on the coding strand, the complement: COL12A1 is on the minus strand). VCF-style: chr6-75194889-T-C. GRCh37 (hg19) VCF-style: chr6-75904605-T-C.
Other names: p.Ser44=; c.73+7831A>G (NM_080645.3).
Identifiers: ClinVar variation 475844 (VCV000475844.33), dbSNP rs201454637, ClinGen allele CA3894509.